The following is an entry in ClinVar:

ClinVar aggregate classification (germline): Uncertain significance (1 of 4 stars; one submission).

Conditions:
3-methylcrotonyl-CoA carboxylase 2 deficiency. Also called: METHYLCROTONYLGLYCINURIA, TYPE II; 3 alpha methylcrotonyl-CoA carboxylase 2 deficiency; 3 alpha methylcrotonylglycinuria 2; MCC 2 deficiency; Methylcrotonylglycinuria type 2. Identifiers: Orphanet 6, MedGen C1859499, MONDO:0008862, OMIM 210210.

Submission:

Labcorp Genetics (formerly Invitae), Labcorp
Classification: Uncertain significance for 3-methylcrotonyl-CoA carboxylase 2 deficiency. Last evaluated: 2025-02-20. Review status: criteria provided, single submitter. Criteria: Invitae Variant Classification Sherloc (09022015). Collection method: clinical testing. Allele origin: germline.
Comment: This sequence change replaces glutamic acid, which is acidic and polar, with aspartic acid, which is acidic and polar, at codon 229 of the MCCC2 protein (p.Glu229Asp). This variant is not present in population databases (gnomAD no frequency). This variant has not been reported in the literature in individuals affected with MCCC2-related conditions. Invitae Evidence Modeling of protein sequence and biophysical properties (such as structural, functional, and spatial information, amino acid conservation, physicochemical variation, residue mobility, and thermodynamic stability) has been performed for this missense variant. However, the output from this modeling did not meet the statistical confidence thresholds required to predict the impact of this variant on MCCC2 protein function. In summary, the available evidence is currently insufficient to determine the role of this variant in disease. Therefore, it has been classified as a Variant of Uncertain Significance.

NM_022132.5(MCCC2):c.687A>C (p.Glu229Asp)

Gene: MCCC2 (methylcrotonyl-CoA carboxylase subunit 2; plus strand). Cytogenetic location: 5q13.2.
Variant type: single nucleotide variant.
Coding change: c.687A>C on transcript NM_022132.5 (MANE Select); coding-DNA position 687, A replaced by C.
Protein change: p.Glu229Asp; replaces glutamic acid 229 with aspartic acid.
Molecular consequence: missense variant. On other transcripts: intron variant (1).
Genome position (GRCh38, 1-based): chr5:71,626,702, A>C. VCF-style: chr5-71626702-A-C. GRCh37 (hg19) VCF-style: chr5-70922529-A-C.
Other names: c.625-5419A>C (NM_001363147.1); short protein forms E229D.
Identifiers: ClinVar variation 4708314 (VCV004708314.1).
Genomic context (GRCh38, chr5:71,626,702, plus strand): 5'-CGCAGTGGTCATGGGCTCCTGCACCGCAGGAGGAGCCTATGTGCCTGCCATGGCTGATGA[A>C]AACATCATTGTACGCAAGCAGGGTACCATTTTCTTGGCAGGACCCCCCTTGGTAAGAACA-3'
Protein context (NP_071415.1, residues 219-239): GGAYVPAMAD[Glu229Asp]NIIVRKQGTI